The following is an entry in ClinVar:

NM_024537.4(CARS2):c.107G>C (p.Gly36Ala)

Genes: CARS2 (cysteinyl-tRNA synthetase 2, mitochondrial; minus strand), LOC130010127 (ATAC-STARR-seq lymphoblastoid silent region 5509; plus strand). Cytogenetic location: 13q34.
Variant type: single nucleotide variant.
Coding change: c.107G>C on transcript NM_024537.4 (MANE Select); coding-DNA position 107, G replaced by C.
Protein change: p.Gly36Ala; replaces glycine 36 with alanine.
Molecular consequence: missense variant. On other transcripts: non-coding transcript variant (1), intron variant (1).
Genome position (GRCh38, 1-based): chr13:110,705,987, C>G on the plus strand (G>C on the coding strand, the complement: CARS2 is on the minus strand). VCF-style: chr13-110705987-C-G. GRCh37 (hg19) VCF-style: chr13-111358334-C-G.
Other names: c.107G>C, p.Gly36Ala (NM_001352253.3); c.-776+384G>C (NM_001352252.2); short protein forms G36A.
Identifiers: ClinVar variation 1430130 (VCV001430130.6), dbSNP rs1271844931, ClinGen allele CA388743304.

ClinVar aggregate classification (germline): Uncertain significance (1 of 4 stars; one submission).

Conditions:
Combined oxidative phosphorylation defect type 27. Also called: Combined oxidative phosphorylation deficiency 27. Identifiers: Orphanet 477774, MedGen C5567608, MONDO:0014728, OMIM 616672.

gnomAD v4.1: 2 of 1,504,766 alleles (0.00013%); highest among the groups gnomAD compares: South Asian, 0.0012%; no homozygotes.

Submission:

Labcorp Genetics (formerly Invitae), Labcorp
Classification: Uncertain significance for Combined oxidative phosphorylation defect type 27. Last evaluated: 2021-09-24. Review status: criteria provided, single submitter. Criteria: Invitae Variant Classification Sherloc (09022015). Collection method: clinical testing. Allele origin: germline.
Comment: This sequence change replaces glycine with alanine at codon 36 of the CARS2 protein (p.Gly36Ala). The glycine residue is weakly conserved and there is a small physicochemical difference between glycine and alanine. The frequency data for this variant in the population databases is considered unreliable, as metrics indicate insufficient coverage at this position in the ExAC database. This variant has not been reported in the literature in individuals with CARS2-related conditions. Algorithms developed to predict the effect of missense changes on protein structure and function output the following: SIFT: "Tolerated"; PolyPhen-2: "Possibly Damaging"; Align-GVGD: "Class C0". The alanine amino acid residue is found in multiple mammalian species, suggesting that this missense change does not adversely affect protein function. These predictions have not been confirmed by published functional studies and their clinical significance is uncertain. In summary, the available evidence is currently insufficient to determine the role of this variant in disease. Therefore, it has been classified as a Variant of Uncertain Significance.